The following is an entry in ClinVar:

ClinVar aggregate classification (germline): Uncertain significance (1 of 4 stars; one submission).

gnomAD v4.1: 1 of 1,613,830 alleles (0.000062%); highest among the groups gnomAD compares: Non-Finnish European, 0.000085%; no homozygotes.

Submission:

GeneDx
Classification: Uncertain significance. Last evaluated: 2024-10-31. Review status: criteria provided, single submitter. Criteria: GeneDx Variant Classification Process June 2021. Collection method: clinical testing. Allele origin: germline. Affected: yes.
Comment: Not observed at significant frequency in large population cohorts (gnomAD); In silico analysis supports that this missense variant has a deleterious effect on protein structure/function; Has not been previously published as pathogenic or benign to our knowledge

NM_020442.6(VARS2):c.1511C>T (p.Pro504Leu)

Gene: VARS2 (valyl-tRNA synthetase 2, mitochondrial; plus strand). Cytogenetic location: 6p21.33.
Variant type: single nucleotide variant.
Coding change: c.1511C>T on transcript NM_020442.6 (MANE Select); coding-DNA position 1511, C replaced by T.
Protein change: p.Pro504Leu; replaces proline 504 with leucine.
Molecular consequence: missense variant.
Genome position (GRCh38, 1-based): chr6:30,921,096, C>T. VCF-style: chr6-30921096-C-T. GRCh37 (hg19) VCF-style: chr6-30888873-C-T.
Other names: c.1091C>T, p.Pro364Leu (NM_001167733.3); c.1601C>T, p.Pro534Leu (NM_001167734.2); short protein forms P364L, P504L, P534L.
Identifiers: ClinVar variation 3897331 (VCV003897331.1).